The following is an entry in ClinVar:

ClinVar aggregate classification (germline): Uncertain significance. Review status: criteria provided, multiple submitters, no conflicts (2 of 4 stars). 3 submissions from 3 submitters: Uncertain significance (3). Last evaluated 2025-10-01.

Conditions:
Cardiovascular phenotype. Identifiers: MedGen CN230736.
Hypertrophic cardiomyopathy 14. Identifiers: MedGen C2750467, MONDO:0013197, OMIM 613251.

Allele frequency attached by ClinVar (database versions not stated): ExAC 0.00001; gnomAD 0.00001; gnomAD exomes 0.00001; TOPMed 0.00002.
gnomAD v4.1: 20 of 1,614,140 alleles (0.0012%); highest among the groups gnomAD compares: Non-Finnish European, 0.0015%; no homozygotes.

Submissions (3):

Ambry Genetics
Classification: Uncertain significance for Cardiovascular phenotype. Last evaluated: 2025-10-01. Review status: criteria provided, single submitter. Criteria: Ambry Variant Classification Scheme 2023. Collection method: clinical testing. Allele origin: germline.
Comment: The p.R34H variant (also known as c.101G>A), located in coding exon 1 of the MYH6 gene, results from a G to A substitution at nucleotide position 101. The arginine at codon 34 is replaced by histidine, an amino acid with highly similar properties. This variant was reported in individual(s) with features consistent with dilated cardiomyopathy (DCM) (Zhang XL et al. Sci Rep, 2020 Feb;10:2226). This amino acid position is not well conserved in available vertebrate species. In addition, this alteration is predicted to be tolerated by in silico analysis. Based on the available evidence, the clinical significance of this variant remains unclear.

Labcorp Genetics (formerly Invitae), Labcorp
Classification: Uncertain significance for Hypertrophic cardiomyopathy 14. Last evaluated: 2024-06-13. Review status: criteria provided, single submitter. Criteria: Invitae Variant Classification Sherloc (09022015). Collection method: clinical testing. Allele origin: germline.
Comment: This sequence change replaces arginine, which is basic and polar, with histidine, which is basic and polar, at codon 34 of the MYH6 protein (p.Arg34His). This variant is not present in population databases (gnomAD no frequency). This variant has not been reported in the literature in individuals affected with MYH6-related conditions. ClinVar contains an entry for this variant (Variation ID: 470502). Advanced modeling of protein sequence and biophysical properties (such as structural, functional, and spatial information, amino acid conservation, physicochemical variation, residue mobility, and thermodynamic stability) performed at Invitae indicates that this missense variant is expected to disrupt MYH6 protein function with a positive predictive value of 80%. In summary, the available evidence is currently insufficient to determine the role of this variant in disease. Therefore, it has been classified as a Variant of Uncertain Significance.

ARUP Laboratories, Molecular Genetics and Genomics, ARUP Laboratories
Classification: Uncertain significance. Last evaluated: 2021-02-24. Review status: criteria provided, single submitter. Criteria: ARUP Molecular Germline Variant Investigation Process 2021. Collection method: clinical testing. Allele origin: germline.
Comment: The MYH6 c.101G>A; p.Arg34His variant (rs762303505), to our knowledge, is not reported in the medical literature but is reported in ClinVar (Variation ID: 470502). This variant is absent from general population databases (Exome Variant Server, Genome Aggregation Database), indicating it is not a common polymorphism. The arginine at codon 34 is moderately conserved, and computational analyses are uncertain whether this variant is neutral or deleterious (REVEL: 0.398). However, given the lack of clinical and functional data, the significance of the p.Arg34His variant is uncertain at this time.

Literature cited by the submitters: PubMed 32041989 (cited by Ambry Genetics).

NM_002471.4(MYH6):c.101G>A (p.Arg34His)

Genes: MYH6 (myosin heavy chain 6; minus strand), LOC114827851 (VISTA enhancer hs2155; plus strand). Cytogenetic location: 14q11.2.
Variant type: single nucleotide variant.
Coding change: c.101G>A on transcript NM_002471.4 (MANE Select); coding-DNA position 101, G replaced by A.
Protein change: p.Arg34His; replaces arginine 34 with histidine.
Molecular consequence: missense variant.
Genome position (GRCh38, 1-based): chr14:23,407,123, C>T on the plus strand (G>A on the coding strand, the complement: MYH6 is on the minus strand). VCF-style: chr14-23407123-C-T. GRCh37 (hg19) VCF-style: chr14-23876332-C-T.
Other names: short protein forms R34H.
Identifiers: ClinVar variation 470502 (VCV000470502.17), dbSNP rs762303505, ClinGen allele CA7116264.